The following is an entry in ClinVar:

ClinVar aggregate classification (germline): Uncertain significance (1 of 4 stars; one submission).

Submission:

Women's Health and Genetics/Laboratory Corporation of America, LabCorp
Classification: Uncertain significance. Last evaluated: 2025-06-26. Review status: criteria provided, single submitter. Criteria: LabCorp Variant Classification Summary - May 2015. Collection method: clinical testing. Allele origin: germline.
Comment: Variant summary: F8 c.914T>C (p.Leu305Ser) results in a non-conservative amino acid change in the encoded protein sequence. Algorithms developed to predict the effect of missense changes on protein structure and function all suggest that this variant is likely to be disruptive. The variant was absent in 183279 control chromosomes. c.914T>C has been observed in individual(s) affected with Factor VIII Deficiency (Hemophilia A) (examples: Gouw_2011, Lu_2018). These data indicate that the variant may be associated with disease. To our knowledge, no experimental evidence demonstrating an impact on protein function has been reported. The following publications have been ascertained in the context of this evaluation (PMID: 21070499, 29381227). No submitters have cited clinical-significance assessments for this variant to ClinVar. Based on the evidence outlined above, the variant was classified as VUS-possibly pathogenic.

Literature cited by the submitters: PubMed 29381227; PubMed 21070499.

NM_000132.4(F8):c.914T>C (p.Leu305Ser)

Gene: F8 (coagulation factor VIII; minus strand). Cytogenetic location: Xq28.
Variant type: single nucleotide variant.
Coding change: c.914T>C on transcript NM_000132.4 (MANE Select); coding-DNA position 914, T replaced by C.
Protein change: p.Leu305Ser; replaces leucine 305 with serine.
Molecular consequence: missense variant.
Genome position (GRCh38, 1-based): chrX:154,969,426, A>G on the plus strand (T>C on the coding strand, the complement: F8 is on the minus strand). VCF-style: chrX-154969426-A-G. GRCh37 (hg19) VCF-style: chrX-154197701-A-G.
Other names: short protein forms L305S.
Identifiers: ClinVar variation 3907509 (VCV003907509.1).